The following is an entry in ClinVar:

ClinVar aggregate classification (germline): Uncertain significance (1 of 4 stars; one submission).

gnomAD v4.1: 2 of 1,607,624 alleles (0.00012%); highest among the groups gnomAD compares: Non-Finnish European, 0.00017%; no homozygotes.

Submission:

Labcorp Genetics (formerly Invitae), Labcorp
Classification: Uncertain significance. Last evaluated: 2025-09-06. Review status: criteria provided, single submitter. Criteria: Invitae Variant Classification Sherloc (09022015). Collection method: clinical testing. Allele origin: germline.
Comment: This sequence change replaces serine, which is neutral and polar, with phenylalanine, which is neutral and non-polar, at codon 651 of the SLC24A1 protein (p.Ser651Phe). This variant is not present in population databases (gnomAD no frequency). This variant has not been reported in the literature in individuals affected with SLC24A1-related conditions. An algorithm developed to predict the effect of missense changes on protein structure and function outputs the following: PolyPhen-2: "Benign". The phenylalanine amino acid residue is found in multiple mammalian species, which suggests that this missense change does not adversely affect protein function. In summary, the available evidence is currently insufficient to determine the role of this variant in disease. Therefore, it has been classified as a Variant of Uncertain Significance.

NM_004727.3(SLC24A1):c.1952C>T (p.Ser651Phe)

Gene: SLC24A1 (solute carrier family 24 member 1; plus strand). Cytogenetic location: 15q22.31.
Variant type: single nucleotide variant.
Coding change: c.1952C>T on transcript NM_004727.3 (MANE Select); coding-DNA position 1952, C replaced by T.
Protein change: p.Ser651Phe; replaces serine 651 with phenylalanine.
Molecular consequence: missense variant. On other transcripts: intron variant (1).
Genome position (GRCh38, 1-based): chr15:65,639,602, C>T. VCF-style: chr15-65639602-C-T. GRCh37 (hg19) VCF-style: chr15-65931940-C-T.
Other names: c.1952C>T, p.Ser651Phe (NM_001301031.1); c.1898C>T, p.Ser633Phe (NM_001301032.1, NM_001301033.2); c.1891-10780C>T (NM_001411142.1); short protein forms S633F, S651F.
Identifiers: ClinVar variation 4708564 (VCV004708564.1).